The following is an entry in ClinVar:

NM_000130.5(F5):c.2722G>T (p.Glu908Ter)

Gene: F5 (coagulation factor V; minus strand). Cytogenetic location: 1q24.2.
Variant type: single nucleotide variant.
Coding change: c.2722G>T on transcript NM_000130.5 (MANE Select); coding-DNA position 2722, G replaced by T.
Protein change: p.Glu908Ter; replaces glutamic acid 908 with a stop codon.
Molecular consequence: nonsense.
Genome position (GRCh38, 1-based): chr1:169,542,368, C>A on the plus strand (G>T on the coding strand, the complement: F5 is on the minus strand). VCF-style: chr1-169542368-C-A. GRCh37 (hg19) VCF-style: chr1-169511606-C-A.
Other names: short protein forms E908*.
Identifiers: ClinVar variation 3391315 (VCV003391315.1).

ClinVar aggregate classification (germline): Likely pathogenic (1 of 4 stars; one submission).

Conditions:
Congenital factor V deficiency. Also called: LABILE FACTOR DEFICIENCY; OWREN PARAHEMOPHILIA; PARAHEMOPHILIA; Hereditary factor V deficiency disease. Identifiers: Orphanet 326, MedGen C0015499, MONDO:0009210, OMIM 227400.

Submission:

Neuberg Centre For Genomic Medicine, NCGM
Classification: Likely pathogenic for Congenital factor V deficiency. Review status: criteria provided, single submitter. Criteria: ACMG Guidelines, 2015. Collection method: clinical testing. Allele origin: germline. Inheritance: Autosomal recessive inheritance. Affected: yes.
Comment: The stop gained variant c.2722G>T p.Glu908Ter in the F5 gene has not been reported previously as a pathogenic variant nor as a benign variant, to our knowledge. The variant is absent in the gnomAD Exomes. This variant is predicted to cause a loss of normal protein function through protein truncation. Loss of function variants has been previously reported to be disease-causing Segers et al., 2012. For these reasons, this variant has been classified as Likely Pathogenic.